The following is an entry in ClinVar:

ClinVar aggregate classification (germline): Uncertain significance (1 of 4 stars; one submission).

Submission:

Laboratory for Molecular Medicine, Mass General Brigham Personalized Medicine
Classification: Uncertain significance. Last evaluated: 2010-11-30. Review status: criteria provided, single submitter. Criteria: LMM Criteria. Collection method: clinical testing. Allele origin: germline. Observed: 1 variant allele.
Comment: The His947Asn variant has not been reported in the literature nor detected in is olation in our laboratory. Histidine (His) at position 947 is not 100% conserve d across different species (chicken and frog have isoleucine and zebrafish has a tyrosine), reducing the likelihood that the change is pathogenic. In summary, the clinical significance of this variant cannot be determined at this time.

NM_000256.3(MYBPC3):c.2839C>A (p.His947Asn)

Gene: MYBPC3 (myosin binding protein C3; minus strand). Cytogenetic location: 11p11.2.
Variant type: single nucleotide variant.
Coding change: c.2839C>A on transcript NM_000256.3 (MANE Select); coding-DNA position 2839, C replaced by A.
Protein change: p.His947Asn; replaces histidine 947 with asparagine.
Molecular consequence: missense variant.
Genome position (GRCh38, 1-based): chr11:47,335,108, G>T on the plus strand (C>A on the coding strand, the complement: MYBPC3 is on the minus strand). VCF-style: chr11-47335108-G-T. GRCh37 (hg19) VCF-style: chr11-47356659-G-T.
Other names: short protein forms H947N.
Identifiers: ClinVar variation 42661 (VCV000042661.4), dbSNP rs397515988, ClinGen allele CA013033.